The following is an entry in ClinVar:

ClinVar aggregate classification (germline): Conflicting classifications of pathogenicity. Review status: criteria provided, conflicting classifications (1 of 4 stars). 4 submissions from 4 submitters: Uncertain significance (1); Likely benign (3). Last evaluated 2026-09-21.

Conditions:
TTN-related disorder. Also called: TTN-related condition; TTN-related disease; TTN-related disorders.

Allele frequency attached by ClinVar (database versions not stated): ESP Exome Variant Server 0.00008; gnomAD 0.00010 and 0.00013; gnomAD exomes 0.00027 and 0.00011; TOPMed 0.00016; ExAC 0.00025.
gnomAD v4.1: 180 of 1,613,030 alleles (0.011%); highest among the groups gnomAD compares: East Asian, 0.19%; 2 homozygotes.

Submissions (4):

Molecular Diagnostic Laboratory for Inherited Cardiovascular Disease, Montreal Heart Institute
Classification: Likely benign. Last evaluated: 2026-09-21. Review status: criteria provided, single submitter. Criteria: ACMG Guidelines, 2015. Collection method: clinical testing. Allele origin: germline. Affected: no.

PreventionGenetics, part of Exact Sciences
Classification: Likely benign for TTN-related condition. Last evaluated: 2025-08-05. Review status: criteria provided, single submitter. Criteria: ACMG Guidelines, 2015. Collection method: clinical testing. Allele origin: germline.
Comment: This variant is classified as likely benign based on ACMG/AMP sequence variant interpretation guidelines (Richards et al. 2015 PMID: 25741868, with internal and published modifications).

Blueprint Genetics
Classification: Likely benign. Last evaluated: 2024-05-24. Review status: criteria provided, single submitter. Criteria: ACMG Guidelines, 2015. Collection method: clinical testing. Allele origin: germline.

Laboratory for Molecular Medicine, Mass General Brigham Personalized Medicine
Classification: Uncertain significance. Last evaluated: 2014-12-31. Review status: criteria provided, single submitter. Criteria: LMM Criteria. Collection method: clinical testing. Allele origin: germline. Observed: 1 variant allele.
Comment: It has also been identified in 0.1% (29/25254) of East and South Asian chromosomes by the Exome Aggregation Consortium (ExAC .; dbSNP rs139103966). Computational prediction tools and cons ervation analysis are limited or unavailable for this variant. In summary, the c linical significance of the p.Leu4630Val variant is uncertain.

NM_133379.5(TTN):c.13888C>G (p.Leu4630Val)

Gene: TTN (titin; minus strand). Cytogenetic location: 2q31.2.
Variant type: single nucleotide variant.
Coding change: c.13888C>G on transcript NM_133379.5; coding-DNA position 13888, C replaced by G.
Protein change: p.Leu4630Val; replaces leucine 4630 with valine.
Molecular consequence: missense variant. On other transcripts: intron variant (6).
Genome position (GRCh38, 1-based): chr2:178,748,512, G>C on the plus strand (C>G on the coding strand, the complement: TTN is on the minus strand). VCF-style: chr2-178748512-G-C. GRCh37 (hg19) VCF-style: chr2-179613239-G-C.
Other names: c.10222+4612C>G (NM_003319.4); c.10798+4612C>G (NM_133437.4); c.10597+4612C>G (NM_133432.3); c.10360+4612C>G (NM_133378.4, NM_001256850.1); c.11311+4612C>G (NM_001267550.2); c.13888C>G (NM_133379.4); short protein forms L4630V.
Identifiers: ClinVar variation 166262 (VCV000166262.8), dbSNP rs139103966, ClinGen allele CA179103.